The following is an entry in ClinVar:

NM_000038.6(APC):c.146A>C (p.Lys49Thr)

Gene: APC (APC regulator of Wnt signaling pathway; plus strand). Cytogenetic location: 5q22.2.
Variant type: single nucleotide variant.
Coding change: c.146A>C on transcript NM_000038.6 (MANE Select); coding-DNA position 146, A replaced by C.
Protein change: p.Lys49Thr; replaces lysine 49 with threonine.
Molecular consequence: missense variant. On other transcripts: 5 prime UTR variant (4).
Genome position (GRCh38, 1-based): chr5:112,766,336, A>C. VCF-style: chr5-112766336-A-C. GRCh37 (hg19) VCF-style: chr5-112102033-A-C.
Other names: c.146A>C, p.Lys49Thr (NM_001127510.3, NM_001354895.2, NM_001354896.2 and 2 more transcripts); c.176A>C, p.Lys59Thr (NM_001127511.3, NM_001354897.2, NM_001354902.2); c.71A>C, p.Lys24Thr (NM_001354898.2, NM_001354904.2); c.-32A>C (NM_001354900.2, NM_001354901.2, NM_001354905.2); c.-890A>C (NM_001354906.2); short protein forms K59T, K49T, K24T.
Identifiers: ClinVar variation 482285 (VCV000482285.25), dbSNP rs587781587, ClinGen allele CA16021664.
Genomic context (GRCh38, chr5:112,766,336, plus strand): 5'-CTTGAAGTTATTTAGAATTTCATGTTAATATATTGTGTTCTTTTTAACAGGAAGTACTTA[A>C]ACAACTACAAGGAAGTATTGAAGATGAAGCTATGGCTTCTTCTGGACAGATTGATTTATT-3'
Protein context (NP_000029.2, residues 39-59): TEASNMKEVL[Lys49Thr]QLQGSIEDEA

ClinVar aggregate classification (germline): Uncertain significance. Review status: criteria provided, multiple submitters, no conflicts (2 of 4 stars). 8 submissions from 8 submitters: Uncertain significance (8). Last evaluated 2026-02-20.

Conditions:
Hereditary cancer-predisposing syndrome. Also called: Neoplastic Syndromes, Hereditary; Tumor predisposition; Hereditary Cancer Syndrome; Hereditary neoplastic syndrome. Identifiers: Orphanet 140162, MedGen C0027672, MeSH D009386, MONDO:0015356.
Classic or attenuated familial adenomatous polyposis. Identifiers: MedGen CN372698, MONDO:0021057.
Familial adenomatous polyposis 1 (FAP1). Also called: FAMILIAL ADENOMATOUS POLYPOSIS 1, ATTENUATED; POLYPOSIS, ADENOMATOUS INTESTINAL. Identifiers: MedGen C2713442, MONDO:0021056, OMIM 175100. Disease mechanism: loss of function.

Allele frequency attached by ClinVar (database versions not stated): gnomAD exomes below 0.00001 and 0.00001.

Submissions (8):

St. Jude Molecular Pathology, St. Jude Children's Research Hospital
Classification: Uncertain significance for Familial adenomatous polyposis 1. Last evaluated: 2026-02-20. Review status: criteria provided, single submitter. Criteria: St. Jude Assertion Criteria 2020. Collection method: clinical testing. Allele origin: germline.
Comment: The APC c.146A>C p.(Lys49Thr) missense change has a max imum subpopulation frequency of 0.00098% in gnomAD v2.1.1. The in silico tool REVEL is inconclusive about a pathogenic or benign effect of this variant on protein function, and to our knowledge functional studies have not been performed. To our knowledge, this variant has not been reported in the literature in individuals with APC-related disease. In summary, the evidence currently available is insufficient to determine the clinical significance of this variant. It h as therefore been classified as of uncertain significance.

Labcorp Genetics (formerly Invitae), Labcorp
Classification: Uncertain significance for Familial adenomatous polyposis 1. Last evaluated: 2025-10-21. Review status: criteria provided, single submitter. Criteria: Invitae Variant Classification Sherloc (09022015). Collection method: clinical testing. Allele origin: germline.
Comment: This sequence change replaces lysine, which is basic and polar, with threonine, which is neutral and polar, at codon 49 of the APC protein (p.Lys49Thr). This variant is present in population databases (no rsID available, gnomAD 0.0009%). This variant has not been reported in the literature in individuals affected with APC-related conditions. ClinVar contains an entry for this variant (Variation ID: 482285). Invitae Evidence Modeling of protein sequence and biophysical properties (such as structural, functional, and spatial information, amino acid conservation, physicochemical variation, residue mobility, and thermodynamic stability) indicates that this missense variant is not expected to disrupt APC protein function with a negative predictive value of 95%. In summary, the available evidence is currently insufficient to determine the role of this variant in disease. Therefore, it has been classified as a Variant of Uncertain Significance.

Ambry Genetics
Classification: Uncertain significance for Hereditary cancer-predisposing syndrome. Last evaluated: 2024-08-18. Review status: criteria provided, single submitter. Criteria: Ambry Variant Classification Scheme 2023. Collection method: clinical testing. Allele origin: germline.
Comment: The p.K49T variant (also known as c.146A>C), located in coding exon 2 of the APC gene, results from an A to C substitution at nucleotide position 146. The lysine at codon 49 is replaced by threonine, an amino acid with similar properties. This amino acid position is highly conserved in available vertebrate species. In addition, in silico predictors for this gene do not accurately predict pathogenicity. Since supporting evidence is limited at this time, the clinical significance of this alteration remains unclear.

All of Us Research Program, National Institutes of Health
Classification: Uncertain significance for Classic or attenuated familial adenomatous polyposis. Last evaluated: 2023-08-15. Review status: criteria provided, single submitter. Criteria: ACMG Guidelines, 2015. Collection method: clinical testing. Allele origin: germline. Inheritance: Autosomal dominant inheritance. Observed: 1 variant allele, 1 heterozygote.
Comment: This missense variant replaces lysine with threonine at codon 49 of the APC protein. Computational prediction suggests that this variant may not impact protein structure and function (internally defined REVEL score threshold <= 0.5, PMID: 27666373). To our knowledge, functional studies have not been reported for this variant. This variant has not been reported in individuals affected with APC-related disorders in the literature. This variant has been identified in 1/251042 chromosomes in the general population by the Genome Aggregation Database (gnomAD). The available evidence is insufficient to determine the role of this variant in disease conclusively. Therefore, this variant is classified as a Variant of Uncertain Significance.

This study involves interpretation of variants in research participants for the purpose of population health screening. Participant phenotype was not available at the time of variant classification. Additional details can be found in publication PMID: 35346344, PMCID: PMC8962531

GeneDx
Classification: Uncertain significance. Last evaluated: 2023-08-10. Review status: criteria provided, single submitter. Criteria: GeneDx Variant Classification Process June 2021. Collection method: clinical testing. Allele origin: germline. Affected: yes.
Comment: Not observed at significant frequency in large population cohorts (gnomAD); In silico analysis supports that this missense variant has a deleterious effect on protein structure/function; Has not been previously published as pathogenic or benign to our knowledge; This variant is associated with the following publications: (PMID: 18199528)

Color Diagnostics, LLC DBA Color Health
Classification: Uncertain significance for Hereditary cancer-predisposing syndrome. Last evaluated: 2023-07-26. Review status: criteria provided, single submitter. Criteria: ACMG Guidelines, 2015. Collection method: clinical testing. Allele origin: germline.
Comment: This missense variant replaces lysine with threonine at codon 49 of the APC protein. Computational prediction suggests that this variant may not impact protein structure and function (internally defined REVEL score threshold <= 0.5, PMID: 27666373). To our knowledge, functional studies have not been reported for this variant. This variant has not been reported in individuals affected with APC-related disorders in the literature. This variant has been identified in 1/251042 chromosomes in the general population by the Genome Aggregation Database (gnomAD). The available evidence is insufficient to determine the role of this variant in disease conclusively. Therefore, this variant is classified as a Variant of Uncertain Significance.

Baylor Genetics
Classification: Uncertain significance for Familial adenomatous polyposis 1. Last evaluated: 2023-05-15. Review status: criteria provided, single submitter. Criteria: ACMG Guidelines, 2015. Collection method: clinical testing. Allele origin: unknown.

Women's Health and Genetics/Laboratory Corporation of America, LabCorp
Classification: Uncertain significance. Last evaluated: 2021-05-10. Review status: criteria provided, single submitter. Criteria: LabCorp Variant Classification Summary - May 2015. Collection method: clinical testing. Allele origin: germline.
Comment: Variant summary: APC c.146A>C (p.Lys49Thr) results in a non-conservative amino acid change located in the Adenomatous polyposis coli, N-terminal dimerisation domain (IPR032038) of the encoded protein sequence. Five of five in-silico tools predict a damaging effect of the variant on protein function. The variant allele was found at a frequency of 4e-06 in 251042 control chromosomes (gnomAD). The available data on variant occurrences in the general population are insufficient to allow any conclusion about variant significance. To our knowledge, no occurrence of c.146A>C in individuals affected with Familial Adenomatous Polyposis and no experimental evidence demonstrating its impact on protein function have been reported. Three ClinVar submitters (evaluation after 2014) cite the variant as uncertain significance. Based on the evidence outlined above, the variant was classified as uncertain significance.